The following is an entry in ClinVar:

ClinVar aggregate classification (germline): Uncertain significance. Review status: criteria provided, multiple submitters, no conflicts (2 of 4 stars). 3 submissions from 3 submitters: Uncertain significance (3). Last evaluated 2025-10-01.

Conditions:
Cardiovascular phenotype. Identifiers: MedGen CN230736.
Dilated cardiomyopathy 1O (CMD1O). Also called: CARDIOMYOPATHY, DILATED, WITH VENTRICULAR TACHYCARDIA. Identifiers: Orphanet 154, MedGen C1837839, MONDO:0012062, OMIM 608569.

Allele frequency attached by ClinVar (database versions not stated): TOPMed 0.00001.
gnomAD v4.1: 5 of 1,612,332 alleles (0.00031%); highest among the groups gnomAD compares: African/African-American, 0.0053%; no homozygotes.

Submissions (3):

Labcorp Genetics (formerly Invitae), Labcorp
Classification: Uncertain significance for Dilated cardiomyopathy 1O. Last evaluated: 2025-10-01. Review status: criteria provided, single submitter. Criteria: Invitae Variant Classification Sherloc (09022015). Collection method: clinical testing. Allele origin: germline.
Comment: This sequence change replaces leucine, which is neutral and non-polar, with arginine, which is basic and polar, at codon 348 of the ABCC9 protein (p.Leu348Arg). This variant is not present in population databases (gnomAD no frequency). This variant has not been reported in the literature in individuals affected with ABCC9-related conditions. ClinVar contains an entry for this variant (Variation ID: 234973). Invitae Evidence Modeling of protein sequence and biophysical properties (such as structural, functional, and spatial information, amino acid conservation, physicochemical variation, residue mobility, and thermodynamic stability) has been performed for this missense variant. However, the output from this modeling did not meet the statistical confidence thresholds required to predict the impact of this variant on ABCC9 protein function. In summary, the available evidence is currently insufficient to determine the role of this variant in disease. Therefore, it has been classified as a Variant of Uncertain Significance.

Ambry Genetics
Classification: Uncertain significance for Cardiovascular phenotype. Last evaluated: 2023-06-23. Review status: criteria provided, single submitter. Criteria: Ambry Variant Classification Scheme 2023. Collection method: clinical testing. Allele origin: germline.
Comment: The p.L348R variant (also known as c.1043T>G), located in coding exon 7 of the ABCC9 gene, results from a T to G substitution at nucleotide position 1043. The leucine at codon 348 is replaced by arginine, an amino acid with dissimilar properties. This amino acid position is well conserved in available vertebrate species. In addition, this alteration is predicted to be deleterious by in silico analysis. Since supporting evidence is limited at this time, the clinical significance of this alteration remains unclear.

Stanford Center for Inherited Cardiovascular Disease, Stanford University
Classification: Uncertain significance. Last evaluated: 2013-10-16. Review status: criteria provided, single submitter. Criteria: ACMG Guidelines, 2015. Collection method: provider interpretation. Allele origin: germline.

NM_020297.4(ABCC9):c.1043T>G (p.Leu348Arg)

Gene: ABCC9 (ATP binding cassette subfamily C member 9; minus strand). Cytogenetic location: 12p12.1.
Variant type: single nucleotide variant.
Coding change: c.1043T>G on transcript NM_020297.4 (MANE Select); coding-DNA position 1043, T replaced by G.
Protein change: p.Leu348Arg; replaces leucine 348 with arginine.
Molecular consequence: missense variant.
Genome position (GRCh38, 1-based): chr12:21,910,947, A>C on the plus strand (T>G on the coding strand, the complement: ABCC9 is on the minus strand). VCF-style: chr12-21910947-A-C. GRCh37 (hg19) VCF-style: chr12-22063881-A-C.
Other names: c.1043T>G, p.Leu348Arg (NM_001377273.1, NM_005691.4); c.179T>G, p.Leu60Arg (NM_001377274.1); short protein forms L348R, L60R.
Identifiers: ClinVar variation 234973 (VCV000234973.9), dbSNP rs876661339, ClinGen allele CA10581168.